The following is an entry in ClinVar:

NM_025077.4(TOE1):c.844_847dup (p.Tyr283Ter)

Gene: TOE1 (target of EGR1, exonuclease; plus strand). Cytogenetic location: 1p34.1.
Variant type: Duplication.
Coding change: c.844_847dup on transcript NM_025077.4 (MANE Select); coding-DNA positions 844 to 847, 4 bases duplicated (GATT; older notation c.844_847dupGATT).
Protein change: p.Tyr283Ter; replaces tyrosine 283 with a stop codon.
Molecular consequence: nonsense.
Genome position (GRCh38, 1-based): chr1:45,342,934-45,342,937, GATT duplicated; duplicating any 4 consecutive bases within chr1:45,342,931-45,342,937 gives the same sequence; the c. name uses the placement nearest the transcript's 3' end. VCF-style (leftmost placement, unchanged base first): chr1-45342930-T-TATTG. GRCh37 (hg19) VCF-style: chr1-45808602-T-TATTG.
Other names: short protein forms Y283*.
Identifiers: ClinVar variation 4884716 (VCV004884716.1).

ClinVar aggregate classification (germline): Likely pathogenic (1 of 4 stars; one submission).

Conditions:
Pontocerebellar hypoplasia type 7. Identifiers: Orphanet 284339, MedGen C3554226, MONDO:0013993, OMIM 614969.

Submission:

Center for Human Genetics and Genomic Medicine, Uniklinik Rwth Aachen
Classification: Likely pathogenic for Pontocerebellar hypoplasia type 7. Last evaluated: 2026-07-27. Review status: criteria provided, single submitter. Criteria: ACMG Guidelines, 2015. Collection method: clinical testing. Allele origin: maternal. Inheritance: Autosomal recessive inheritance. Affected: yes. Observed: 1 variant allele, 1 compound heterozygote.
Comment: The variant is sufficiently rare in large population studies (PM2_sup). Truncating variants in TOE1 are known to be disease-causing (PVS1). The variant was detected in compound heterozygosity with a second variant in TOE1. A TOE1-associated entitiy explains the patient's phenotype very well.